The following is an entry in ClinVar:

ClinVar aggregate classification (germline): Pathogenic (1 of 4 stars; one submission).

Conditions:
Fanconi anemia complementation group O. Also called: RAD51C-Related Fanconi Anemia. Identifiers: Orphanet 84, MedGen C3150653, MONDO:0013248, OMIM 613390.

Submission:

Women's Health and Genetics/Laboratory Corporation of America, LabCorp
Classification: Pathogenic for Fanconi anemia complementation group O. Last evaluated: 2026-05-29. Review status: criteria provided, single submitter. Criteria: LabCorp Variant Classification Summary - May 2015. Collection method: clinical testing. Allele origin: germline.
Comment: Variant summary: The variant involves the deletion of exons 5-7 in the RAD51C gene. A presumed nomenclature of c.(705+1_706-1)_(965+1_966-1)del has been designated for the purposes of this classification. This Copy Number Variant (CNV) is expected to alter the reading frame and predicted to result in a truncation or absence of the encoded protein due to nonsense mediated decay (NMD). Loss-of-function variants in this gene are known to be pathogenic. The variant allele was found at a frequency of 2.2e-06 in 462883 control chromosomes in the gnomAD database (Structural Variants v4.1 dataset). To our knowledge, no occurrence of c.(705+1_706-1)_(965+1_966-1)del in individuals affected with RAD51C-related conditions and no experimental evidence demonstrating its impact on protein function have been reported. No submitters have cited clinical-significance assessments for this variant to ClinVar. Based on the evidence outlined above, the variant was classified as pathogenic.

NC_000017.10:g.(56780691_56787219)_(56801462_56809844)del

Gene: RAD51C (RAD51 paralog C; plus strand). Cytogenetic location: 17q22.
Variant type: Deletion.
Identifiers: ClinVar variation 4853073 (VCV004853073.1).